The following is an entry in ClinVar:

NM_015057.5(MYCBP2):c.3223C>T (p.Leu1075Phe)

Gene: MYCBP2 (MYC binding protein 2; minus strand). Cytogenetic location: 13q22.3.
Variant type: single nucleotide variant.
Coding change: c.3223C>T on transcript NM_015057.5 (MANE Select); coding-DNA position 3223, C replaced by T.
Protein change: p.Leu1075Phe; replaces leucine 1075 with phenylalanine.
Molecular consequence: missense variant.
Genome position (GRCh38, 1-based): chr13:77,211,995, G>A on the plus strand (C>T on the coding strand, the complement: MYCBP2 is on the minus strand). VCF-style: chr13-77211995-G-A. GRCh37 (hg19) VCF-style: chr13-77786130-G-A.
Other names: short protein forms L1075F.
Identifiers: ClinVar variation 3377971 (VCV003377971.1).
Genomic context (GRCh38, chr13:77,211,995, plus strand): 5'-TTTGTTTATTTCTGGTATTACCTATTATGTGTTTACTGGCAAAAATTTCTGATGTAGCAA[G>A]TACATGAGAATTAATAAGTGCTTCATCAATTCGTAAAAAAGTTTGGTCCCCACTTGCACC-3'
Protein context (NP_055872.4, residues 1065-1085): IDEALINSHV[Leu1075Phe]ATSEIFASKH

ClinVar aggregate classification (germline): Uncertain significance (1 of 4 stars; one submission).

Submission:

GeneDx
Classification: Uncertain significance. Last evaluated: 2024-05-17. Review status: criteria provided, single submitter. Criteria: GeneDx Variant Classification Process June 2021. Collection method: clinical testing. Allele origin: germline. Affected: yes.
Comment: Not observed at significant frequency in large population cohorts (gnomAD); In silico analysis supports that this missense variant has a deleterious effect on protein structure/function; Has not been previously published as pathogenic or benign to our knowledge